The following is an entry in ClinVar:

NM_003625.5(PPFIA2):c.3310+5T>C

Gene: PPFIA2 (PPFI scaffold protein A2; minus strand). Cytogenetic location: 12q21.31.
Variant type: single nucleotide variant.
Coding change: c.3310+5T>C on transcript NM_003625.5 (MANE Select); 5 bases into the intron after coding-DNA position 3310, T replaced by C.
Molecular consequence: intron variant.
Genome position (GRCh38, 1-based): chr12:81,277,312, A>G on the plus strand (T>C on the coding strand, the complement: PPFIA2 is on the minus strand). VCF-style: chr12-81277312-A-G. GRCh37 (hg19) VCF-style: chr12-81671091-A-G.
Other names: c.3265+5T>C (NM_001220474.3); c.3310+5T>C (NM_001220473.3); c.3247+5T>C (NM_001220475.2); c.3292+5T>C (NM_001220476.2); c.2995+5T>C (NM_001220478.2); c.3007+5T>C (NM_001220477.2); c.2851+5T>C (NM_001282536.1); c.1918+5T>C (NM_001220479.3); and 1 more.
Identifiers: ClinVar variation 4885727 (VCV004885727.2).

ClinVar aggregate classification (germline): Uncertain significance (1 of 4 stars; one submission).

Submission:

Dasa
Classification: Uncertain significance. Last evaluated: 2025-10-27. Review status: criteria provided, single submitter. Criteria: DASA Assertion Criteria. Collection method: clinical testing. Allele origin: germline.
Comment: NM_003625.5(PPFIA2):c.3310+5T>C is a splice-region variant. This variant is rare in population databases. Computational prediction algorithms are consistent with a benign effect. The currently available literature and clinical evidence are not sufficient to establish a definitive association between this variant and the reported condition. Therefore, this variant is classified as a variant of uncertain significance.